The following is an entry in ClinVar:

ClinVar aggregate classification (germline): Uncertain significance. Review status: criteria provided, multiple submitters, no conflicts (2 of 4 stars). 2 submissions from 2 submitters: Uncertain significance (2). Last evaluated 2021-08-30.

Conditions:
Lethal Kniest-like syndrome (DDSH). Also called: Dyssegmental Dysplasia. Identifiers: Orphanet 1865, MedGen C1857100, MONDO:0009140, OMIM 224410.
Schwartz-Jampel syndrome type 1 (SJS1). Also called: MYOTONIC MYOPATHY, DWARFISM, CHONDRODYSTROPHY, AND OCULAR AND FACIAL ABNORMALITIES; CHONDRODYSTROPHIC MYOTONIA. Identifiers: MedGen C4551479, MONDO:0100435, OMIM 255800.

Allele frequency attached by ClinVar (database versions not stated): gnomAD 0.00006 and 0.00004; ESP Exome Variant Server 0.00023; 1000 Genomes Project 0.00060; 1000 Genomes Project 30x 0.00094; gnomAD exomes 0.00003 and 0.00004; TOPMed 0.00005; ExAC 0.00006.

Submissions (2):

Labcorp Genetics (formerly Invitae), Labcorp
Classification: Uncertain significance. Last evaluated: 2021-08-30. Review status: criteria provided, single submitter. Criteria: Invitae Variant Classification Sherloc (09022015). Collection method: clinical testing. Allele origin: germline.
Comment: This sequence change replaces tyrosine with cysteine at codon 610 of the HSPG2 protein (p.Tyr610Cys). The tyrosine residue is moderately conserved and there is a large physicochemical difference between tyrosine and cysteine. This variant is present in population databases (rs138954678, ExAC 0.06%). This variant has not been reported in the literature in individuals affected with HSPG2-related conditions. Algorithms developed to predict the effect of missense changes on protein structure and function are either unavailable or do not agree on the potential impact of this missense change (SIFT: "Tolerated"; PolyPhen-2: "Probably Damaging"; Align-GVGD: "Class C0"). In summary, the available evidence is currently insufficient to determine the role of this variant in disease. Therefore, it has been classified as a Variant of Uncertain Significance.

Juno Genomics, Hangzhou Juno Genomics, Inc
Classification: Uncertain significance for Lethal Kniest-like syndrome; Schwartz-Jampel syndrome type 1. Review status: criteria provided, single submitter. Criteria: ACMG Guidelines, 2015. Collection method: clinical testing. Allele origin: germline.
Comment: Missense variant in a gene that has a low rate of benign missense variation.;Multiple lines of computational evidence support a deleterious effect on the gene or gene product.;Absent from controls (or at extremely low frequency if recessive) in Genome Aggregation Database.

NM_005529.7(HSPG2):c.1829A>G (p.Tyr610Cys)

Gene: HSPG2 (heparan sulfate proteoglycan 2; minus strand). Cytogenetic location: 1p36.12.
Variant type: single nucleotide variant.
Coding change: c.1829A>G on transcript NM_005529.7 (MANE Select); coding-DNA position 1829, A replaced by G.
Protein change: p.Tyr610Cys; replaces tyrosine 610 with cysteine.
Molecular consequence: missense variant.
Genome position (GRCh38, 1-based): chr1:21,880,825, T>C on the plus strand (A>G on the coding strand, the complement: HSPG2 is on the minus strand). VCF-style: chr1-21880825-T-C. GRCh37 (hg19) VCF-style: chr1-22207318-T-C.
Other names: c.1832A>G, p.Tyr611Cys (NM_001291860.2); short protein forms Y611C, Y610C.
Identifiers: ClinVar variation 1373442 (VCV001373442.7), dbSNP rs138954678, ClinGen allele CA673269.